The following is an entry in ClinVar:

NM_001374736.1(DST):c.15308T>C (p.Phe5103Ser)

Gene: DST (dystonin; minus strand). Cytogenetic location: 6p12.1.
Variant type: single nucleotide variant.
Coding change: c.15308T>C on transcript NM_001374736.1 (MANE Select); coding-DNA position 15308, T replaced by C.
Protein change: p.Phe5103Ser; replaces phenylalanine 5103 with serine.
Molecular consequence: missense variant.
Genome position (GRCh38, 1-based): chr6:56,553,484, A>G on the plus strand (T>C on the coding strand, the complement: DST is on the minus strand). VCF-style: chr6-56553484-A-G. GRCh37 (hg19) VCF-style: chr6-56418282-A-G.
Other names: c.8951T>C, p.Phe2984Ser (NM_001144769.5); c.8537T>C, p.Phe2846Ser (NM_001144770.2); c.15308T>C, p.Phe5103Ser (NM_001374722.1); c.14675T>C, p.Phe4892Ser (NM_001374729.1); c.8417T>C, p.Phe2806Ser (NM_001374730.1, NM_001386100.1, NM_183380.4); c.15335T>C, p.Phe5112Ser (NM_001374734.1); c.7439T>C, p.Phe2480Ser (NM_015548.5); short protein forms F2806S, F2846S, F5103S, F5112S, F2480S, F2984S, F4892S.
Identifiers: ClinVar variation 1371256 (VCV001371256.8), dbSNP rs1195557014, ClinGen allele CA364517450.

ClinVar aggregate classification (germline): Uncertain significance (1 of 4 stars; one submission).

Conditions:
Epidermolysis bullosa simplex 3, localized or generalized intermediate, with BP230 deficiency (EBS3). Also called: Epidermolysis bullosa simplex due to BP230 deficiency; Epidermolysis bullosa simplex, autosomal recessive 2. Identifiers: Orphanet 412181, MedGen C3809470, MONDO:0014180, OMIM 615425.
Hereditary sensory and autonomic neuropathy type 6. Also called: HSAN VI; Neuropathy, hereditary sensory and autonomic, type VI. Identifiers: Orphanet 314381, MedGen C3539003, MONDO:0013839, OMIM 614653.

Allele frequency attached by ClinVar (database versions not stated): gnomAD exomes below 0.00001; TOPMed 0.00001.
gnomAD v4.1: 1 of 1,613,496 alleles (0.000062%); highest among the groups gnomAD compares: African/African-American, 0.0013%; no homozygotes.

Submission:

Labcorp Genetics (formerly Invitae), Labcorp
Classification: Uncertain significance for Epidermolysis bullosa simplex 3, localized or generalized intermediate, with BP230 deficiency; Hereditary sensory and autonomic neuropathy type 6. Last evaluated: 2022-09-01. Review status: criteria provided, single submitter. Criteria: Invitae Variant Classification Sherloc (09022015). Collection method: clinical testing. Allele origin: germline.
Comment: In summary, the available evidence is currently insufficient to determine the role of this variant in disease. Therefore, it has been classified as a Variant of Uncertain Significance. Experimental studies and prediction algorithms are not available or were not evaluated, and the functional significance of this variant is currently unknown. This variant has not been reported in the literature in individuals affected with DST-related conditions. This variant is present in population databases (no rsID available, gnomAD 0.007%). This sequence change replaces phenylalanine, which is neutral and non-polar, with serine, which is neutral and polar, at codon 2480 of the DST protein (p.Phe2480Ser). The DST gene has multiple clinically relevant transcripts. This variant occurs in alternate transcript NM_015548.4, and corresponds to NM_001723.5:c.*62033T>C in the primary transcript.